The following is an entry in ClinVar:

NM_001040142.2(SCN2A):c.4446+9A>G

Gene: SCN2A (sodium voltage-gated channel alpha subunit 2; plus strand). Cytogenetic location: 2q24.3.
Variant type: single nucleotide variant.
Coding change: c.4446+9A>G on transcript NM_001040142.2 (MANE Select); 9 bases into the intron after coding-DNA position 4446, A replaced by G.
Molecular consequence: intron variant.
Genome position (GRCh38, 1-based): chr2:165,380,738, A>G. VCF-style: chr2-165380738-A-G. GRCh37 (hg19) VCF-style: chr2-166237248-A-G.
Other names: c.4446+9A>G (NM_001040143.2, NM_001371246.1, NM_001371247.1 and 1 more transcripts).
Identifiers: ClinVar variation 207002 (VCV000207002.12), dbSNP rs796053140, ClinGen allele CA317969.

ClinVar aggregate classification (germline): Pathogenic/Likely pathogenic. Review status: criteria provided, multiple submitters, no conflicts (2 of 4 stars). 2 submissions from 2 submitters: Pathogenic (1); Likely pathogenic (1). Last evaluated 2022-08-09.

Conditions:
Seizures, benign familial infantile, 3 (BFIS3). Also called: CONVULSIONS, BENIGN FAMILIAL INFANTILE, 3; Familial neonatal seizures. Identifiers: Orphanet 140927, Orphanet 306, MedGen C1843140, MONDO:0011904, OMIM 607745.
Developmental and epileptic encephalopathy, 11 (DEE11). Also called: Early infantile epileptic encephalopathy 11. Identifiers: Orphanet 1934, MedGen C3150987, MONDO:0013388, OMIM 613721.

Submissions (2):

Labcorp Genetics (formerly Invitae), Labcorp
Classification: Pathogenic for Seizures, benign familial infantile, 3; Developmental and epileptic encephalopathy, 11. Last evaluated: 2022-08-09. Review status: criteria provided, single submitter. Criteria: Invitae Variant Classification Sherloc (09022015). Collection method: clinical testing. Allele origin: germline.
Comment: This variant has been observed in individual(s) with SCN2A-related conditions (PMID: 29655203). In at least one individual the variant was observed to be de novo. This sequence change falls in intron 24 of the SCN2A gene. It does not directly change the encoded amino acid sequence of the SCN2A protein. This variant is not present in population databases (gnomAD no frequency). ClinVar contains an entry for this variant (Variation ID: 207002). Algorithms developed to predict the effect of sequence changes on RNA splicing suggest that this variant may disrupt the consensus splice site. For these reasons, this variant has been classified as Pathogenic.

GeneDx
Classification: Likely pathogenic. Last evaluated: 2014-02-07. Review status: criteria provided, single submitter. Criteria: GeneDx Variant Classification (06012015). Collection method: clinical testing. Allele origin: germline. Affected: yes.
Comment: c.4446+9 A>G: IVS24+9 A>G in intron 24 of the SCN2A gene (NM_021007.2). The c.4446+9 A>G nucleotide substitution has not been published as a mutation, nor has it been reported as a benign polymorphism to our knowledge. It was not observed in approximately 6,000 individuals of European and African American ancestry in the NHLBI Exome Sequencing Project, indicating it is not a common benign variant in these populations. In silico splice algorithms predict the c.4446+9 A>G sequence change may create a cryptic donor site that may lead to abnormal gene splicing. However, in the absence of RNA/functional studies, the actual effect of the c.4446+9 A>G substitution is unknown. This variant has been observed de novo without verified parentage. The variant is found in INFANT-EPI panel(s).

Literature cited by the submitters: PubMed 29655203 (cited by Labcorp Genetics (formerly Invitae), Labcorp).